The following is an entry in ClinVar:

ClinVar aggregate classification (germline): Uncertain significance. Review status: criteria provided, multiple submitters, no conflicts (2 of 4 stars). 2 submissions from 2 submitters: Uncertain significance (2). Last evaluated 2025-09-16.

Conditions:
BBS5-related disorder. Also called: BBS5-related condition.

gnomAD v4.1: 2 of 1,609,858 alleles (0.00012%); highest among the groups gnomAD compares: Admixed American, 0.0033%; no homozygotes.

Submissions (2):

PreventionGenetics, part of Exact Sciences
Classification: Uncertain significance for BBS5-related condition. Last evaluated: 2025-09-16. Review status: criteria provided, single submitter. Criteria: ACMG Guidelines, 2015. Collection method: clinical testing. Allele origin: germline.
Comment: The BBS5 c.148C>A variant is predicted to result in the amino acid substitution p.Leu50Ile. This variant has been reported in the homozygous state in an individual with retinitis pigmentosa (Table 2, Wang et al. 2014. PubMed ID: 24154662). An alternate missense variant at the same amino acid residue (p.Leu50Arg) has also been reported in the homozygous state in an individual with autosomal recessive Bardet-Biedl syndrome (Chen et al. 2011. PubMed ID: 21642631). This variant is reported in 0.0029% of alleles in individuals of Latino descent in gnomAD. Although we suspect that this variant may be pathogenic, at this time, the clinical significance of this variant is uncertain due to the absence of conclusive functional and genetic evidence.

GeneDx
Classification: Uncertain significance. Last evaluated: 2024-11-04. Review status: criteria provided, single submitter. Criteria: GeneDx Variant Classification Process June 2021. Collection method: clinical testing. Allele origin: germline. Affected: yes.
Comment: Not observed at significant frequency in large population cohorts (gnomAD); In silico analysis indicates that this missense variant does not alter protein structure/function; This variant is associated with the following publications: (PMID: 31964843, 24154662)

NM_152384.3(BBS5):c.148C>A (p.Leu50Ile)

Gene: BBS5 (Bardet-Biedl syndrome 5; plus strand). Cytogenetic location: 2q31.1.
Variant type: single nucleotide variant.
Coding change: c.148C>A on transcript NM_152384.3 (MANE Select); coding-DNA position 148, C replaced by A.
Protein change: p.Leu50Ile; replaces leucine 50 with isoleucine.
Molecular consequence: missense variant.
Genome position (GRCh38, 1-based): chr2:169,487,074, C>A. VCF-style: chr2-169487074-C-A. GRCh37 (hg19) VCF-style: chr2-170343584-C-A.
Other names: short protein forms L50I.
Identifiers: ClinVar variation 3897166 (VCV003897166.2).